The following is an entry in ClinVar:

NM_030773.4(TUBB1):c.1025T>G (p.Val342Gly)

Gene: TUBB1 (tubulin beta 1 class VI; plus strand). Cytogenetic location: 20q13.32.
Variant type: single nucleotide variant.
Coding change: c.1025T>G on transcript NM_030773.4 (MANE Select); coding-DNA position 1025, T replaced by G.
Protein change: p.Val342Gly; replaces valine 342 with glycine.
Molecular consequence: missense variant.
Genome position (GRCh38, 1-based): chr20:59,024,452, T>G. VCF-style: chr20-59024452-T-G. GRCh37 (hg19) VCF-style: chr20-57599507-T-G.
Other names: short protein forms V342G.
Identifiers: ClinVar variation 2872684 (VCV002872684.3), dbSNP rs748170810, ClinGen allele CA9928639.

ClinVar aggregate classification (germline): Uncertain significance (1 of 4 stars; one submission).

Allele frequency attached by ClinVar (database versions not stated): ExAC 0.00001.

Submission:

Labcorp Genetics (formerly Invitae), Labcorp
Classification: Uncertain significance. Last evaluated: 2023-04-04. Review status: criteria provided, single submitter. Criteria: Invitae Variant Classification Sherloc (09022015). Collection method: clinical testing. Allele origin: germline.
Comment: This sequence change replaces valine, which is neutral and non-polar, with glycine, which is neutral and non-polar, at codon 342 of the TUBB1 protein (p.Val342Gly). This variant is present in population databases (rs748170810, gnomAD 0.0009%). This variant has not been reported in the literature in individuals affected with TUBB1-related conditions. Advanced modeling of protein sequence and biophysical properties (such as structural, functional, and spatial information, amino acid conservation, physicochemical variation, residue mobility, and thermodynamic stability) performed at Invitae indicates that this missense variant is not expected to disrupt TUBB1 protein function. In summary, the available evidence is currently insufficient to determine the role of this variant in disease. Therefore, it has been classified as a Variant of Uncertain Significance.